The following is an entry in ClinVar:

ClinVar aggregate classification (germline): Uncertain significance. Review status: criteria provided, multiple submitters, no conflicts (2 of 4 stars). 3 submissions from 3 submitters: Uncertain significance (3). Last evaluated 2025-09-27.

Conditions:
Charcot-Marie-Tooth disease type 2B (CMT2B). Also called: CHARCOT-MARIE-TOOTH DISEASE, AUTOSOMAL DOMINANT, TYPE 2B; Charcot-Marie-Tooth Neuropathy Type 2B; CHARCOT-MARIE-TOOTH DISEASE, AXONAL, TYPE 2B; HEREDITARY MOTOR AND SENSORY NEUROPATHY IIB. Identifiers: Orphanet 99936, MedGen C1833219, MONDO:0010949, OMIM 600882.
Inborn genetic diseases. Identifiers: MedGen C0950123, MeSH D030342.

Allele frequency attached by ClinVar (database versions not stated): gnomAD 0.00001; gnomAD exomes 0.00002; TOPMed 0.00002; ExAC 0.00003; ESP Exome Variant Server 0.00015; 1000 Genomes Project 30x 0.00016; 1000 Genomes Project 0.00020.
gnomAD v4.1: 29 of 1,613,770 alleles (0.0018%); highest among the groups gnomAD compares: Non-Finnish European, 0.0025%; no homozygotes.

Submissions (3):

Labcorp Genetics (formerly Invitae), Labcorp
Classification: Uncertain significance for Charcot-Marie-Tooth disease type 2B. Last evaluated: 2025-09-27. Review status: criteria provided, single submitter. Criteria: Invitae Variant Classification Sherloc (09022015). Collection method: clinical testing. Allele origin: germline.
Comment: This sequence change replaces threonine, which is neutral and polar, with methionine, which is neutral and non-polar, at codon 178 of the RAB7A protein (p.Thr178Met). This variant is present in population databases (rs142747565, gnomAD 0.004%). This variant has not been reported in the literature in individuals affected with RAB7A-related conditions. ClinVar contains an entry for this variant (Variation ID: 1015296). An algorithm developed to predict the effect of missense changes on protein structure and function (PolyPhen-2) suggests that this variant is likely to be tolerated. In summary, the available evidence is currently insufficient to determine the role of this variant in disease. Therefore, it has been classified as a Variant of Uncertain Significance.

ARUP Laboratories, Molecular Genetics and Genomics, ARUP Laboratories
Classification: Uncertain significance for Charcot-Marie-Tooth disease type 2B. Last evaluated: 2025-07-09. Review status: criteria provided, single submitter. Criteria: ARUP Molecular Germline Variant Investigation Process 2024. Collection method: clinical testing. Allele origin: germline.
Comment: The RAB7A c.533C>T; p.Thr178Met variant (rs142747565), to our knowledge, is not reported in the medical literature but is reported in ClinVar (Variation ID: 1015296). This variant is only observed on four alleles in the Genome Aggregation Database (v2.1.1), indicating it is not a common polymorphism. Computational analyses are uncertain whether this variant is neutral or deleterious (REVEL: 0.414). Due to limited information, the clinical significance of this variant is uncertain at this time.

Ambry Genetics
Classification: Uncertain significance for Inborn genetic diseases. Last evaluated: 2024-10-29. Review status: criteria provided, single submitter. Criteria: Ambry Variant Classification Scheme 2023. Collection method: clinical testing. Allele origin: germline.

NM_004637.6(RAB7A):c.533C>T (p.Thr178Met)

Genes: RAB7A (RAB7A, member RAS oncogene family; plus strand), LOC112872299 (Sharpr-MPRA regulatory region 6458; plus strand). Cytogenetic location: 3q21.3.
Variant type: single nucleotide variant.
Coding change: c.533C>T on transcript NM_004637.6 (MANE Select); coding-DNA position 533, C replaced by T.
Protein change: p.Thr178Met; replaces threonine 178 with methionine.
Molecular consequence: missense variant.
Genome position (GRCh38, 1-based): chr3:128,813,331, C>T. VCF-style: chr3-128813331-C-T. GRCh37 (hg19) VCF-style: chr3-128532174-C-T.
Other names: c.533C>T (NM_004637.5); short protein forms T178M.
Identifiers: ClinVar variation 1015296 (VCV001015296.9), dbSNP rs142747565, ClinGen allele CA2600875.